The following is an entry in ClinVar:

NM_001276345.2(TNNT2):c.61G>A (p.Val21Ile)

Gene: TNNT2 (troponin T2, cardiac type; minus strand). Cytogenetic location: 1q32.1.
Variant type: single nucleotide variant.
Coding change: c.61G>A on transcript NM_001276345.2 (MANE Select); coding-DNA position 61, G replaced by A.
Protein change: p.Val21Ile; replaces valine 21 with isoleucine.
Molecular consequence: missense variant. On other transcripts: intron variant (1).
Genome position (GRCh38, 1-based): chr1:201,372,033, C>T on the plus strand (G>A on the coding strand, the complement: TNNT2 is on the minus strand). VCF-style: chr1-201372033-C-T. GRCh37 (hg19) VCF-style: chr1-201341161-C-T.
Other names: c.61G>A, p.Val21Ile (NM_000364.4, NM_001001430.3, NM_001001431.3 and 7 more transcripts); c.52+112G>A (NM_001001432.3); c.61G>A (NM_001001430.1); short protein forms V21I.
Identifiers: ClinVar variation 1906109 (VCV001906109.7), dbSNP rs2527137310, ClinGen allele CA088307.

ClinVar aggregate classification (germline): Uncertain significance. Review status: criteria provided, multiple submitters, no conflicts (2 of 4 stars). 3 submissions from 3 submitters: Uncertain significance (3). Last evaluated 2025-08-05.

Conditions:
Cardiovascular phenotype. Identifiers: MedGen CN230736.
Hypertrophic cardiomyopathy 2. Also called: TNNT2-Related Familial Hypertrophic Cardiomyopathy. Identifiers: MedGen C1861864, MONDO:0007266, OMIM 115195.
Dilated cardiomyopathy 1D. Identifiers: Orphanet 154, Orphanet 54260, MedGen C1832243, MONDO:0011095, OMIM 601494.
Cardiomyopathy, familial restrictive, 3. Identifiers: Orphanet 75249, MedGen C2676271, MONDO:0012900, OMIM 612422.

Submissions (3):

Ambry Genetics
Classification: Uncertain significance for Cardiovascular phenotype. Last evaluated: 2025-08-05. Review status: criteria provided, single submitter. Criteria: Ambry Variant Classification Scheme 2023. Collection method: clinical testing. Allele origin: germline.

Blueprint Genetics
Classification: Uncertain significance. Last evaluated: 2023-02-20. Review status: criteria provided, single submitter. Criteria: ACMG Guidelines, 2015. Collection method: clinical testing. Allele origin: germline.

Labcorp Genetics (formerly Invitae), Labcorp
Classification: Uncertain significance for Cardiomyopathy, familial restrictive, 3; Hypertrophic cardiomyopathy 2; Dilated cardiomyopathy 1D. Last evaluated: 2022-04-18. Review status: criteria provided, single submitter. Criteria: Invitae Variant Classification Sherloc (09022015). Collection method: clinical testing. Allele origin: germline.
Comment: In summary, the available evidence is currently insufficient to determine the role of this variant in disease. Therefore, it has been classified as a Variant of Uncertain Significance. Algorithms developed to predict the effect of missense changes on protein structure and function are either unavailable or do not agree on the potential impact of this missense change (SIFT: "Tolerated"; PolyPhen-2: "Not Available"; Align-GVGD: "Class C0"). This variant has not been reported in the literature in individuals affected with TNNT2-related conditions. This variant is not present in population databases (gnomAD no frequency). This sequence change replaces valine, which is neutral and non-polar, with isoleucine, which is neutral and non-polar, at codon 21 of the TNNT2 protein (p.Val21Ile).